The following is an entry in ClinVar:

ClinVar aggregate classification (germline): Uncertain significance. Review status: criteria provided, multiple submitters, no conflicts (2 of 4 stars). 2 submissions from 2 submitters: Uncertain significance (2). Last evaluated 2024-10-24.

Conditions:
Deficiency of ferroxidase (ACEP). Also called: Aceruloplasminemia; Deficiency of ceruloplasmin; NEURODEGENERATION WITH BRAIN IRON ACCUMULATION 10; Ceruloplasmin deficiency; Familial apoceruloplasmin deficiency; Hereditary ceruloplasmin deficiency. Identifiers: Orphanet 48818, MedGen C0878682, MONDO:0011426, OMIM 604290, HP:0025498.

Allele frequency attached by ClinVar (database versions not stated): gnomAD 0.00001 and 0.00002; gnomAD exomes 0.00003; TOPMed 0.00003; ExAC 0.00004; 1000 Genomes Project 30x 0.00016; 1000 Genomes Project 0.00020.

Submissions (2):

Labcorp Genetics (formerly Invitae), Labcorp
Classification: Uncertain significance for Deficiency of ferroxidase. Last evaluated: 2024-10-24. Review status: criteria provided, single submitter. Criteria: Invitae Variant Classification Sherloc (09022015). Collection method: clinical testing. Allele origin: germline.
Comment: This sequence change replaces alanine, which is neutral and non-polar, with valine, which is neutral and non-polar, at codon 19 of the CP protein (p.Ala19Val). This variant is present in population databases (rs532618448, gnomAD 0.01%). This variant has not been reported in the literature in individuals affected with CP-related conditions. ClinVar contains an entry for this variant (Variation ID: 1400595). Invitae Evidence Modeling of protein sequence and biophysical properties (such as structural, functional, and spatial information, amino acid conservation, physicochemical variation, residue mobility, and thermodynamic stability) indicates that this missense variant is not expected to disrupt CP protein function with a negative predictive value of 80%. In summary, the available evidence is currently insufficient to determine the role of this variant in disease. Therefore, it has been classified as a Variant of Uncertain Significance.

GeneDx
Classification: Uncertain significance. Last evaluated: 2024-05-18. Review status: criteria provided, single submitter. Criteria: GeneDx Variant Classification Process June 2021. Collection method: clinical testing. Allele origin: germline. Affected: yes.
Comment: Not observed at significant frequency in large population cohorts (gnomAD); In silico analysis indicates that this missense variant does not alter protein structure/function; Has not been previously published as pathogenic or benign to our knowledge

NM_000096.4(CP):c.56C>T (p.Ala19Val)

Gene: CP (ceruloplasmin; minus strand). Cytogenetic location: 3q25.1.
Variant type: single nucleotide variant.
Coding change: c.56C>T on transcript NM_000096.4 (MANE Select); coding-DNA position 56, C replaced by T.
Protein change: p.Ala19Val; replaces alanine 19 with valine.
Molecular consequence: missense variant. On other transcripts: non-coding transcript variant (1).
Genome position (GRCh38, 1-based): chr3:149,221,737, G>A on the plus strand (C>T on the coding strand, the complement: CP is on the minus strand). VCF-style: chr3-149221737-G-A. GRCh37 (hg19) VCF-style: chr3-148939524-G-A.
Other names: c.56C>T (NM_000096.3); short protein forms A19V.
Identifiers: ClinVar variation 1400595 (VCV001400595.6), dbSNP rs532618448, ClinGen allele CA2661410.